The following is an entry in ClinVar:

ClinVar aggregate classification (germline): Conflicting classifications of pathogenicity. Review status: criteria provided, conflicting classifications (1 of 4 stars). 5 submissions from 5 submitters: Uncertain significance (4); Benign (1). Last evaluated 2025-12-01.

Conditions:
Retinitis pigmentosa (RP). Identifiers: Orphanet 791, MedGen C0035334, MeSH D012174, MONDO:0019200, OMIM 268000. Inheritance: Autosomal dominant, autosomal recessive and X linked inheritance.

Allele frequency attached by ClinVar (database versions not stated): TOPMed 0.00012; ESP Exome Variant Server 0.00023.
gnomAD v4.1: 245 of 1,614,040 alleles (0.015%); highest among the groups gnomAD compares: Non-Finnish European, 0.0026%; no homozygotes.

Submissions (5):

Labcorp Genetics (formerly Invitae), Labcorp
Classification: Benign. Last evaluated: 2025-12-01. Review status: criteria provided, single submitter. Criteria: Invitae Variant Classification Sherloc (09022015). Collection method: clinical testing. Allele origin: germline.

Dasa
Classification: Uncertain significance. Last evaluated: 2025-08-05. Review status: criteria provided, single submitter. Criteria: DASA Assertion Criteria. Collection method: clinical testing. Allele origin: germline.
Comment: NM_006343.3(MERTK):c.773C>A (p.Ala258Glu) is a missense variant that results in the substitution of alanine with glutamic acid. This variant is rare in population databases. Computational prediction algorithms are consistent with a benign effect. The currently available literature and clinical evidence are not sufficient to establish a definitive association between this variant and the reported condition. Therefore, this variant is classified as a variant of uncertain significance.

Blueprint Genetics
Classification: Uncertain significance. Last evaluated: 2024-10-17. Review status: criteria provided, single submitter. Criteria: ACMG Guidelines, 2015. Collection method: clinical testing. Allele origin: germline.

Illumina Laboratory Services, Illumina
Classification: Uncertain significance for Retinitis pigmentosa. Last evaluated: 2018-01-13. Review status: criteria provided, single submitter. Criteria: ICSL Variant Classification Criteria 13 December 2019. Collection method: clinical testing. Allele origin: germline.

Eurofins Ntd Llc (ga)
Classification: Uncertain significance. Last evaluated: 2016-11-01. Review status: criteria provided, single submitter. Criteria: EGL Classification Definitions 2015. Collection method: clinical testing. Allele origin: germline. Observed: 1 variant allele, 1 heterozygote.

NM_006343.3(MERTK):c.773C>A (p.Ala258Glu)

Gene: MERTK (MER proto-oncogene, tyrosine kinase; plus strand). Cytogenetic location: 2q13.
Variant type: single nucleotide variant.
Coding change: c.773C>A on transcript NM_006343.3 (MANE Select); coding-DNA position 773, C replaced by A.
Protein change: p.Ala258Glu; replaces alanine 258 with glutamic acid.
Molecular consequence: missense variant.
Genome position (GRCh38, 1-based): chr2:111,965,206, C>A. VCF-style: chr2-111965206-C-A. GRCh37 (hg19) VCF-style: chr2-112722783-C-A.
Other names: short protein forms A258E.
Identifiers: ClinVar variation 330747 (VCV000330747.21), dbSNP rs35252762, ClinGen allele CA1831170.